The following is an entry in ClinVar:

NM_001004334.4(GPR179):c.3371G>A (p.Gly1124Glu)

Gene: GPR179 (G protein-coupled receptor 179; minus strand). Cytogenetic location: 17q12.
Variant type: single nucleotide variant.
Coding change: c.3371G>A on transcript NM_001004334.4 (MANE Select); coding-DNA position 3371, G replaced by A.
Protein change: p.Gly1124Glu; replaces glycine 1124 with glutamic acid.
Molecular consequence: missense variant.
Genome position (GRCh38, 1-based): chr17:38,330,198, C>T on the plus strand (G>A on the coding strand, the complement: GPR179 is on the minus strand). VCF-style: chr17-38330198-C-T. GRCh37 (hg19) VCF-style: chr17-36486081-C-T.
Other names: short protein forms G1124E.
Identifiers: ClinVar variation 1522602 (VCV001522602.3), dbSNP rs368156325, ClinGen allele CA290105170.

ClinVar aggregate classification (germline): Uncertain significance (1 of 4 stars; one submission).

Allele frequency attached by ClinVar (database versions not stated): gnomAD exomes 0.00001 and 0.00002; TOPMed 0.00001; ExAC 0.00002; gnomAD 0.00002; ESP Exome Variant Server 0.00008.
gnomAD v4.1: 26 of 1,569,852 alleles (0.0017%); highest among the groups gnomAD compares: Non-Finnish European, 0.002%; no homozygotes.

Submission:

Labcorp Genetics (formerly Invitae), Labcorp
Classification: Uncertain significance. Last evaluated: 2021-10-15. Review status: criteria provided, single submitter. Criteria: Invitae Variant Classification Sherloc (09022015). Collection method: clinical testing. Allele origin: germline.
Comment: This sequence change replaces glycine with glutamic acid at codon 1124 of the GPR179 protein (p.Gly1124Glu). The glycine residue is moderately conserved and there is a moderate physicochemical difference between glycine and glutamic acid. This variant is present in population databases (rs368156325, ExAC 0.01%). This variant has not been reported in the literature in individuals affected with GPR179-related conditions. Algorithms developed to predict the effect of missense changes on protein structure and function output the following: SIFT: "Deleterious"; PolyPhen-2: "Benign"; Align-GVGD: "Class C0". The glutamic acid amino acid residue is found in multiple mammalian species, which suggests that this missense change does not adversely affect protein function. In summary, the available evidence is currently insufficient to determine the role of this variant in disease. Therefore, it has been classified as a Variant of Uncertain Significance.